The following is an entry in ClinVar:

NM_201548.5(CERKL):c.1126C>T (p.Gln376Ter)

Gene: CERKL (CERK like autophagy regulator; minus strand). Cytogenetic location: 2q31.3.
Variant type: single nucleotide variant.
Coding change: c.1126C>T on transcript NM_201548.5 (MANE Select); coding-DNA position 1126, C replaced by T.
Protein change: p.Gln376Ter; replaces glutamine 376 with a stop codon.
Molecular consequence: nonsense. On other transcripts: non-coding transcript variant (2).
Genome position (GRCh38, 1-based): chr2:181,548,552, G>A on the plus strand (C>T on the coding strand, the complement: CERKL is on the minus strand). VCF-style: chr2-181548552-G-A. GRCh37 (hg19) VCF-style: chr2-182413279-G-A.
Other names: c.1204C>T, p.Gln402Ter (NM_001030311.3); c.787C>T, p.Gln263Ter (NM_001030312.3); c.919C>T, p.Gln307Ter (NM_001030313.3); c.1072C>T, p.Gln358Ter (NM_001160277.2); short protein forms Q263*, Q307*, Q358*, Q376*, Q402*.
Identifiers: ClinVar variation 4814533 (VCV004814533.1).

ClinVar aggregate classification (germline): Likely pathogenic (1 of 4 stars; one submission).

Conditions:
Retinitis pigmentosa 26 (RP26). Identifiers: Orphanet 791, MedGen C1842127, MONDO:0012024, OMIM 608380.

Submission:

Natera, Inc.
Classification: Likely pathogenic for Retinitis Pigmentosa 26. Last evaluated: 2025-09-25. Review status: criteria provided, single submitter. Criteria: Natera Variant Classification Schema (03/2026). Collection method: clinical testing. Allele origin: germline.
Comment: The c.1204C>T variant in CERKL is a nonsense variant predicted to introduce a stop codon at amino acid 402. This variant is expected to result in nonsense mediated decay, truncation, or a dysfunctional protein product. This variant is rare in the general population with a frequency below the threshold expected for the associated phenotype(s). Given the available evidence, this variant is classified as Likely Pathogenic.